The following is an entry in ClinVar:

ClinVar aggregate classification (germline): Uncertain significance (1 of 4 stars; one submission).

Allele frequency attached by ClinVar (database versions not stated): TOPMed below 0.00001; gnomAD 0.00001.
gnomAD v4.1: 3 of 1,610,630 alleles (0.00019%); highest among the groups gnomAD compares: Admixed American, 0.005%; no homozygotes.

Submission:

Ambry Genetics
Classification: Uncertain significance. Last evaluated: 2024-06-14. Review status: criteria provided, single submitter. Criteria: Ambry Variant Classification Scheme 2023. Collection method: clinical testing. Allele origin: germline.
Comment: The p.G1470S variant (also known as c.4408G>A), located in coding exon 16 of the POLQ gene, results from a G to A substitution at nucleotide position 4408. The glycine at codon 1470 is replaced by serine, an amino acid with similar properties. This amino acid position is conserved. In addition, this alteration is predicted to be tolerated by in silico analysis. Since supporting evidence is limited at this time, the clinical significance of this alteration remains unclear.

NM_199420.4(POLQ):c.4408G>A (p.Gly1470Ser)

Gene: POLQ (DNA polymerase theta; minus strand). Cytogenetic location: 3q13.33.
Variant type: single nucleotide variant.
Coding change: c.4408G>A on transcript NM_199420.4 (MANE Select); coding-DNA position 4408, G replaced by A.
Protein change: p.Gly1470Ser; replaces glycine 1470 with serine.
Molecular consequence: missense variant.
Genome position (GRCh38, 1-based): chr3:121,488,523, C>T on the plus strand (G>A on the coding strand, the complement: POLQ is on the minus strand). VCF-style: chr3-121488523-C-T. GRCh37 (hg19) VCF-style: chr3-121207370-C-T.
Other names: short protein forms G1470S.
Identifiers: ClinVar variation 1740365 (VCV001740365.3), dbSNP rs764909287, ClinGen allele CA354095215.